The following is an entry in ClinVar:

NM_001277115.2(DNAH11):c.5665G>T (p.Gly1889Trp)

Gene: DNAH11 (dynein axonemal heavy chain 11; plus strand). Cytogenetic location: 7p15.3.
Variant type: single nucleotide variant.
Coding change: c.5665G>T on transcript NM_001277115.2 (MANE Select); coding-DNA position 5665, G replaced by T.
Protein change: p.Gly1889Trp; replaces glycine 1889 with tryptophan.
Molecular consequence: missense variant.
Genome position (GRCh38, 1-based): chr7:21,687,142, G>T. VCF-style: chr7-21687142-G-T. GRCh37 (hg19) VCF-style: chr7-21726760-G-T.
Other names: NM_001277115.2:c.5665G>T; short protein forms G1889W.
Identifiers: ClinVar variation 3776928 (VCV003776928.1).
Genomic context (GRCh38, chr7:21,687,142, plus strand): 5'-TTTTCTATTGCTTAAAGGTGTTATATTACCTTAACTCAATCACTTCATCTAACCATGAGT[G>T]GGGCTCCTGCTGGCCCAGCTGGTACCGGGAAAACAGAGACCACCAAAGACCTAGGACGTG-3'
Protein context (NP_001264044.1, residues 1879-1899): LTQSLHLTMS[Gly1889Trp]APAGPAGTGK

ClinVar aggregate classification (germline): Uncertain significance (1 of 4 stars; one submission).

Conditions:
Primary ciliary dyskinesia 7. Also called: CILIARY DYSKINESIA, PRIMARY, 7, WITH OR WITHOUT SITUS INVERSUS. Identifiers: Orphanet 244, MedGen C2678473, MONDO:0012748, OMIM 611884.

Submission:

Broad Center for Mendelian Genomics, Broad Institute of MIT and Harvard
Classification: Uncertain significance for Primary ciliary dyskinesia 7. Last evaluated: 2025-02-14. Review status: criteria provided, single submitter. Criteria: ACMG Guidelines, 2015. Collection method: curation. Allele origin: germline. Inheritance: Autosomal recessive inheritance.
Comment: The p.Gly1889Trp variant in DNAH11 has been reported in 1 individual with primary ciliary dyskinesia (PMID: 31879361), and has been identified in 0.0009% (11/1179642) of European (non-Finnish) chromosomes by the Genome Aggregation Database (gnomAD). Although this variant has been seen in the general population in a heterozygous state, its frequency is low enough to be consistent with a recessive carrier frequency. Computational prediction tools and conservation analyses do not provide strong support for or against an impact to the protein. In summary, the clinical significance of the p.Gly1889Trp variant is uncertain. ACMG/AMP Criteria applied: PM2_supporting (Richards 2015).